The following is an entry in ClinVar:

ClinVar aggregate classification (germline): Likely benign. Review status: criteria provided, multiple submitters, no conflicts (2 of 4 stars). 2 submissions from 2 submitters: Likely benign (2). Last evaluated 2026-08-01.

Conditions:
CDC42BPB-related disorder.

gnomAD v4.1: 726 of 1,614,146 alleles (0.045%); highest among the groups gnomAD compares: Admixed American, 0.095%; 2 homozygotes.

Submissions (2):

CeGaT Center for Human Genetics Tuebingen
Classification: Likely benign. Last evaluated: 2026-08-01. Review status: criteria provided, single submitter. Criteria: CeGaT Center For Human Genetics Tuebingen Variant Classification Criteria Version 2. Collection method: clinical testing. Allele origin: germline. Affected: yes. Observed: 2 variant alleles.
Comment: CDC42BPB: BS1

PreventionGenetics, part of Exact Sciences
Classification: Likely benign for CDC42BPB-related condition. Last evaluated: 2025-01-06. Review status: criteria provided, single submitter. Criteria: ACMG Guidelines, 2015. Collection method: clinical testing. Allele origin: germline.
Comment: This variant is classified as likely benign based on ACMG/AMP sequence variant interpretation guidelines (Richards et al. 2015 PMID: 25741868, with internal and published modifications).

NM_006035.4(CDC42BPB):c.1709G>A (p.Arg570Gln)

Gene: CDC42BPB (CDC42 binding protein kinase beta; minus strand). Cytogenetic location: 14q32.32.
Variant type: single nucleotide variant.
Coding change: c.1709G>A on transcript NM_006035.4 (MANE Select); coding-DNA position 1709, G replaced by A.
Protein change: p.Arg570Gln; replaces arginine 570 with glutamine.
Molecular consequence: missense variant.
Genome position (GRCh38, 1-based): chr14:102,972,094, C>T on the plus strand (G>A on the coding strand, the complement: CDC42BPB is on the minus strand). VCF-style: chr14-102972094-C-T. GRCh37 (hg19) VCF-style: chr14-103438431-C-T.
Other names: c.1709G>A, p.Arg570Gln (NM_001411054.1); c.1709G>A (NM_006035.3); short protein forms R570Q.
Identifiers: ClinVar variation 4872364 (VCV004872364.3).